The following is an entry in ClinVar:

ClinVar aggregate classification (germline): Uncertain significance (1 of 4 stars; one submission).

Conditions:
Multiple endocrine neoplasia, type 1 (MEN1). Also called: MEA I; MEN I; WERMER SYNDROME; Endocrine adenomatosis multiple; MEN 1. Identifiers: Orphanet 652, MedGen C0025267, MeSH D018761, MONDO:0007540, OMIM 131100.

Submission:

Labcorp Genetics (formerly Invitae), Labcorp
Classification: Uncertain significance for Multiple endocrine neoplasia, type 1. Last evaluated: 2024-08-11. Review status: criteria provided, single submitter. Criteria: Invitae Variant Classification Sherloc (09022015). Collection method: clinical testing. Allele origin: germline.
Comment: This sequence change affects codon 218 of the MEN1 mRNA. It is a 'silent' change, meaning that it does not change the encoded amino acid sequence of the MEN1 protein. This variant also falls at the last nucleotide of exon 3, which is part of the consensus splice site for this exon. This variant is not present in population databases (gnomAD no frequency). This variant has been observed in individual(s) with clinical features of multiple endocrine neoplasia (PMID: 31658439). Variants that disrupt the consensus splice site are a relatively common cause of aberrant splicing (PMID: 17576681, 9536098). Algorithms developed to predict the effect of sequence changes on RNA splicing suggest that this variant may disrupt the consensus splice site. In summary, the available evidence is currently insufficient to determine the role of this variant in disease. Therefore, it has been classified as a Variant of Uncertain Significance.

Literature cited by the submitters: PubMed 31658439; PubMed 17576681; PubMed 9536098.

NM_001370259.2(MEN1):c.654G>C (p.Arg218=)

Gene: MEN1 (menin 1; minus strand). Cytogenetic location: 11q13.1.
Variant type: single nucleotide variant.
Coding change: c.654G>C on transcript NM_001370259.2 (MANE Select); coding-DNA position 654, G replaced by C.
Protein change: p.Arg218=; no amino-acid change (arginine 218 retained).
Molecular consequence: synonymous variant. On other transcripts: non-coding transcript variant (4), intron variant (5).
Genome position (GRCh38, 1-based): chr11:64,807,891, C>G on the plus strand (G>C on the coding strand, the complement: MEN1 is on the minus strand). VCF-style: chr11-64807891-C-G. GRCh37 (hg19) VCF-style: chr11-64575363-C-G.
Other names: c.669G>C, p.Arg223= (NM_000244.4, NM_001407145.1, NM_001407150.1 and 5 more transcripts); c.654G>C, p.Arg218= (NM_001370251.2, NM_001370260.2, NM_001370261.2 and 7 more transcripts); c.549+105G>C (NM_001407148.1, NM_001407149.1, NM_001407151.1 and 2 more transcripts).
Identifiers: ClinVar variation 3626864 (VCV003626864.2).